The following is an entry in ClinVar:

ClinVar aggregate classification (germline): Uncertain significance (1 of 4 stars; one submission).

Allele frequency attached by ClinVar (database versions not stated): TOPMed 0.00001; gnomAD 0.00002.
gnomAD v4.1: 10 of 1,554,190 alleles (0.00064%); highest among the groups gnomAD compares: Non-Finnish European, 0.00087%; no homozygotes.

Submission:

Labcorp Genetics (formerly Invitae), Labcorp
Classification: Uncertain significance. Last evaluated: 2023-06-14. Review status: criteria provided, single submitter. Criteria: Invitae Variant Classification Sherloc (09022015). Collection method: clinical testing. Allele origin: germline.
Comment: In summary, the available evidence is currently insufficient to determine the role of this variant in disease. Therefore, it has been classified as a Variant of Uncertain Significance. An algorithm developed to predict the effect of missense changes on protein structure and function (PolyPhen-2) suggests that this variant is likely to be tolerated. This variant has not been reported in the literature in individuals affected with GNMT-related conditions. This variant is present in population databases (no rsID available, gnomAD 0.002%). This sequence change replaces alanine, which is neutral and non-polar, with glycine, which is neutral and non-polar, at codon 14 of the GNMT protein (p.Ala14Gly).

NM_018960.6(GNMT):c.41C>G (p.Ala14Gly)

Genes: CNPY3-GNMT (CNPY3-GNMT readthrough; plus strand), GNMT (glycine N-methyltransferase; plus strand). Cytogenetic location: 6p21.1.
Variant type: single nucleotide variant.
Coding change: c.41C>G on transcript NM_018960.6 (MANE Select); coding-DNA position 41, C replaced by G.
Protein change: p.Ala14Gly; replaces alanine 14 with glycine.
Molecular consequence: missense variant. On other transcripts: non-coding transcript variant (1), intron variant (3).
Genome position (GRCh38, 1-based): chr6:42,960,808, C>G. VCF-style: chr6-42960808-C-G. GRCh37 (hg19) VCF-style: chr6-42928546-C-G.
Other names: c.41C>G, p.Ala14Gly (NM_001318865.2); c.9-1404C>G (NM_001318856.2); c.152-1954C>G (NM_001318857.2, NM_001318858.2); short protein forms A14G.
Identifiers: ClinVar variation 2887024 (VCV002887024.3), dbSNP rs759988463, ClinGen allele CA364143149.